The following is an entry in ClinVar:

NM_001876.4(CPT1A):c.2061C>G (p.Ser687Arg)

Gene: CPT1A (carnitine palmitoyltransferase 1A; minus strand). Cytogenetic location: 11q13.3.
Variant type: single nucleotide variant.
Coding change: c.2061C>G on transcript NM_001876.4 (MANE Select); coding-DNA position 2061, C replaced by G.
Protein change: p.Ser687Arg; replaces serine 687 with arginine.
Molecular consequence: missense variant.
Genome position (GRCh38, 1-based): chr11:68,760,306, G>C on the plus strand (C>G on the coding strand, the complement: CPT1A is on the minus strand). VCF-style: chr11-68760306-G-C. GRCh37 (hg19) VCF-style: chr11-68527774-G-C.
Other names: c.2061C>G, p.Ser687Arg (NM_001031847.3); short protein forms S687R.
Identifiers: ClinVar variation 463966 (VCV000463966.11), dbSNP rs1269472669, ClinGen allele CA381626128.
Genomic context (GRCh38, chr11:68,760,306, plus strand): 5'-GGACACGTACTCTGGGTTATTCTCCAAGTCAAACAGCTCCACTTGCTGCTGAGGGGTCTG[G>C]CTTGTTGATAATCTCCAAGGCTCAGATAAAACCTATTGAGTGAAACAGGGAAATGTTTCC-3'
Protein context (NP_001867.2, residues 677-697): VLSEPWRLST[Ser687Arg]QTPQQQVELF

ClinVar aggregate classification (germline): Likely pathogenic (1 of 4 stars; one submission).

Conditions:
Carnitine palmitoyl transferase 1A deficiency. Also called: Carnitine palmitoyltransferase 1A deficiency; CPT deficiency, hepatic, type IA; Carnitine palmitoyltransferase type I deficiency; CPT I DEFICIENCY; CPT DEFICIENCY, HEPATIC, TYPE I. Identifiers: Orphanet 156, MedGen C1829703, MONDO:0009705, OMIM 255120.

Allele frequency attached by ClinVar (database versions not stated): gnomAD exomes below 0.00001.
gnomAD v4.1: 1 of 1,612,724 alleles (0.000062%); no homozygotes.

Submission:

Labcorp Genetics (formerly Invitae), Labcorp
Classification: Likely pathogenic for Carnitine palmitoyl transferase 1A deficiency. Last evaluated: 2022-07-23. Review status: criteria provided, single submitter. Criteria: Invitae Variant Classification Sherloc (09022015). Collection method: clinical testing. Allele origin: germline.
Comment: Algorithms developed to predict the effect of missense changes on protein structure and function are either unavailable or do not agree on the potential impact of this missense change (SIFT: "Deleterious"; PolyPhen-2: "Probably Damaging"; Align-GVGD: "Class C0"). ClinVar contains an entry for this variant (Variation ID: 463966). This missense change has been observed in individual(s) with carnitine palmitoyltransferase 1A deficiency (Invitae). In at least one individual the data is consistent with being in trans (on the opposite chromosome) from a pathogenic variant. This variant is not present in population databases (gnomAD no frequency). This sequence change replaces serine, which is neutral and polar, with arginine, which is basic and polar, at codon 687 of the CPT1A protein (p.Ser687Arg). In summary, the currently available evidence indicates that the variant is pathogenic, but additional data are needed to prove that conclusively. Therefore, this variant has been classified as Likely Pathogenic.